The following is an entry in ClinVar:

NM_003073.5(SMARCB1):c.795+4G>A

Gene: SMARCB1 (SWI/SNF related BAF chromatin remodeling complex subunit B1; plus strand). Cytogenetic location: 22q11.23.
Variant type: single nucleotide variant.
Coding change: c.795+4G>A on transcript NM_003073.5 (MANE Select); 4 bases into the intron after coding-DNA position 795, G replaced by A.
Molecular consequence: intron variant.
Genome position (GRCh38, 1-based): chr22:23,816,940, G>A. VCF-style: chr22-23816940-G-A. GRCh37 (hg19) VCF-style: chr22-24159127-G-A.
Other names: c.849+4G>A (NM_001362877.2); c.822+4G>A (NM_001317946.2); c.768+4G>A (NM_001007468.3).
Identifiers: ClinVar variation 1436349 (VCV001436349.3), dbSNP rs2146010650, ClinGen allele CA2573157768.

ClinVar aggregate classification (germline): Uncertain significance (1 of 4 stars; one submission).

Submission:

Labcorp Genetics (formerly Invitae), Labcorp
Classification: Uncertain significance. Last evaluated: 2021-07-22. Review status: criteria provided, single submitter. Criteria: Invitae Variant Classification Sherloc (09022015). Collection method: clinical testing. Allele origin: germline.
Comment: This sequence change falls in intron 6 of the SMARCB1 gene. It does not directly change the encoded amino acid sequence of the SMARCB1 protein. It affects a nucleotide within the consensus splice site of the intron. This variant is not present in population databases (ExAC no frequency). This variant has not been reported in the literature in individuals affected with SMARCB1-related conditions. Nucleotide substitutions within the consensus splice site are a relatively common cause of aberrant splicing (PMID: 17576681, 9536098). Algorithms developed to predict the effect of sequence changes on RNA splicing suggest that this variant is not likely to affect RNA splicing. In summary, the available evidence is currently insufficient to determine the role of this variant in disease. Therefore, it has been classified as a Variant of Uncertain Significance.

Literature cited by the submitters: PubMed 17576681; PubMed 9536098.